The following is an entry in ClinVar:

ClinVar aggregate classification (germline): Uncertain significance (1 of 4 stars; one submission).

gnomAD v4.1: 1 of 1,184,732 alleles (0.000084%); no homozygotes.

Submission:

Labcorp Genetics (formerly Invitae), Labcorp
Classification: Uncertain significance. Last evaluated: 2024-10-16. Review status: criteria provided, single submitter. Criteria: Invitae Variant Classification Sherloc (09022015). Collection method: clinical testing. Allele origin: germline.
Comment: This sequence change replaces glycine, which is neutral and non-polar, with valine, which is neutral and non-polar, at codon 657 of the BCL11B protein (p.Gly657Val). The frequency data for this variant in the population databases is considered unreliable, as metrics indicate insufficient coverage at this position in the gnomAD database. This variant has not been reported in the literature in individuals affected with BCL11B-related conditions. ClinVar contains an entry for this variant (Variation ID: 2181183). Invitae Evidence Modeling of protein sequence and biophysical properties (such as structural, functional, and spatial information, amino acid conservation, physicochemical variation, residue mobility, and thermodynamic stability) indicates that this missense variant is expected to disrupt BCL11B protein function with a positive predictive value of 95%. In summary, the available evidence is currently insufficient to determine the role of this variant in disease. Therefore, it has been classified as a Variant of Uncertain Significance.

NM_138576.4(BCL11B):c.1970G>T (p.Gly657Val)

Gene: BCL11B (BCL11 transcription factor B; minus strand). Cytogenetic location: 14q32.2.
Variant type: single nucleotide variant.
Coding change: c.1970G>T on transcript NM_138576.4 (MANE Select); coding-DNA position 1970, G replaced by T.
Protein change: p.Gly657Val; replaces glycine 657 with valine.
Molecular consequence: missense variant.
Genome position (GRCh38, 1-based): chr14:99,174,866, C>A on the plus strand (G>T on the coding strand, the complement: BCL11B is on the minus strand). VCF-style: chr14-99174866-C-A. GRCh37 (hg19) VCF-style: chr14-99641203-C-A.
Other names: c.1754G>T, p.Gly585Val (NM_001282238.2); c.1757G>T, p.Gly586Val (NM_022898.3); c.1967G>T, p.Gly656Val (NM_001282237.2); short protein forms G657V, G585V, G656V, G586V.
Identifiers: ClinVar variation 2181183 (VCV002181183.4), dbSNP rs2503640311, ClinGen allele CA390934227.
Genomic context (GRCh38, chr14:99,174,866, plus strand): 5'-GGCAGCGGCGCGGGCTTGCGCGGGAAGAGCCCGGGGAAGGGCTCGGTGCCTGGCGCGAAG[C>A]CGCCCCCGCGCCCGTTGACCGCGCCGCCCGCGCCCGCGTCCCCGCAGCCGCCCGCGTCGT-3'
Protein context (NP_612808.1, residues 647-667): AGGAVNGRGG[Gly657Val]FAPGTEPFPG